The following is an entry in ClinVar:

NM_014633.5(CTR9):c.2714G>C (p.Gly905Ala)

Gene: CTR9 (CTR9 component of Paf1/RNA polymerase II complex; plus strand). Cytogenetic location: 11p15.4.
Variant type: single nucleotide variant.
Coding change: c.2714G>C on transcript NM_014633.5 (MANE Select); coding-DNA position 2714, G replaced by C.
Protein change: p.Gly905Ala; replaces glycine 905 with alanine.
Molecular consequence: missense variant.
Genome position (GRCh38, 1-based): chr11:10,773,260, G>C. VCF-style: chr11-10773260-G-C. GRCh37 (hg19) VCF-style: chr11-10794807-G-C.
Other names: c.2642G>C, p.Gly881Ala (NM_001346279.2); short protein forms G881A, G905A.
Identifiers: ClinVar variation 4807729 (VCV004807729.1).

ClinVar aggregate classification (germline): Uncertain significance (1 of 4 stars; one submission).

Submission:

Labcorp Genetics (formerly Invitae), Labcorp
Classification: Uncertain significance. Last evaluated: 2025-03-07. Review status: criteria provided, single submitter. Criteria: Invitae Variant Classification Sherloc (09022015). Collection method: clinical testing. Allele origin: germline.
Comment: This sequence change replaces glycine, which is neutral and non-polar, with alanine, which is neutral and non-polar, at codon 905 of the CTR9 protein (p.Gly905Ala). This variant is not present in population databases (gnomAD no frequency). This variant has not been reported in the literature in individuals affected with CTR9-related conditions. An algorithm developed to predict the effect of missense changes on protein structure and function (PolyPhen-2) suggests that this variant is likely to be tolerated. In summary, the available evidence is currently insufficient to determine the role of this variant in disease. Therefore, it has been classified as a Variant of Uncertain Significance.